The following is an entry in ClinVar:

NM_005956.4(MTHFD1):c.2457+4G>C

Genes: MTHFD1 (methylenetetrahydrofolate dehydrogenase, cyclohydrolase and formyltetrahydrofolate synthetase 1; plus strand), ZBTB25 (zinc finger and BTB domain containing 25; minus strand). Cytogenetic location: 14q23.3.
Variant type: single nucleotide variant.
Coding change: c.2457+4G>C on transcript NM_005956.4 (MANE Select); 4 bases into the intron after coding-DNA position 2457, G replaced by C.
Molecular consequence: intron variant. On other transcripts: synonymous variant (1).
Genome position (GRCh38, 1-based): chr14:64,449,626, G>C. VCF-style: chr14-64449626-G-C. GRCh37 (hg19) VCF-style: chr14-64916344-G-C.
Other names: c.186C>G, p.Thr62= (NM_001304508.1); c.2457+4G>C (NM_001364837.1).
Identifiers: ClinVar variation 1413099 (VCV001413099.6), dbSNP rs2078338046, ClinGen allele CA390003067.

ClinVar aggregate classification (germline): Uncertain significance (1 of 4 stars; one submission).

Allele frequency attached by ClinVar (database versions not stated): TOPMed below 0.00001.

Submission:

Labcorp Genetics (formerly Invitae), Labcorp
Classification: Uncertain significance. Last evaluated: 2021-03-08. Review status: criteria provided, single submitter. Criteria: Invitae Variant Classification Sherloc (09022015). Collection method: clinical testing. Allele origin: germline.
Comment: This sequence change falls in intron 24 of the MTHFD1 gene. It does not directly change the encoded amino acid sequence of the MTHFD1 protein. It affects a nucleotide within the consensus splice site of the intron. This variant is not present in population databases (ExAC no frequency). This variant has not been reported in the literature in individuals with MTHFD1-related conditions. Nucleotide substitutions within the consensus splice site are a relatively common cause of aberrant splicing (PMID: 17576681, 9536098). Algorithms developed to predict the effect of sequence changes on RNA splicing suggest that this variant is not likely to affect RNA splicing, but this prediction has not been confirmed by published transcriptional studies. In summary, the available evidence is currently insufficient to determine the role of this variant in disease. Therefore, it has been classified as a Variant of Uncertain Significance.

Literature cited by the submitters: PubMed 17576681; PubMed 9536098.